The following is an entry in ClinVar:

NM_013382.7(POMT2):c.874del (p.Ala292fs)

Gene: POMT2 (protein O-mannosyltransferase 2; minus strand). Cytogenetic location: 14q24.3.
Variant type: Deletion.
Coding change: c.874del on transcript NM_013382.7 (MANE Select); coding-DNA position 874, one base deleted (G; older notation c.874delG).
Protein change: p.Ala292fs; shifts the reading frame from alanine 292.
Molecular consequence: frameshift variant.
Genome position (GRCh38, 1-based): chr14:77,299,504, C deleted on the plus strand (G on the coding strand, the reverse complement: POMT2 is on the minus strand); the first of 2 consecutive C bases (chr14:77,299,504-77,299,505); deleting either gives the same sequence. VCF-style (leftmost placement, unchanged base first): chr14-77299503-GC-G. GRCh37 (hg19) VCF-style: chr14-77765846-GC-G.
Other names: short protein forms A292fs.
Identifiers: ClinVar variation 3759396 (VCV003759396.2).
Genomic context (GRCh38, chr14:77,299,503, plus strand): 5'-CTCTGTCTGTACCTTTTACTCAGCACCATGAAGTGAACAGCAAAGGTGGCTGTATAGAGA[GC>G]CAGGGGCAGCACTATGAGGCACAGGACACGAGCAGTCAGGTGTTTTCCCACAGTCACCTG-3'

ClinVar aggregate classification (germline): Pathogenic (1 of 4 stars; one submission).

Conditions:
Muscular dystrophy-dystroglycanopathy (congenital with brain and eye anomalies), type A2. Also called: MUSCULAR DYSTROPHY-DYSTROGLYCANOPATHY (CONGENITAL WITH BRAIN AND EYE ANOMALIES), TYPE A, 2; WALKER-WARBURG SYNDROME OR MUSCLE-EYE-BRAIN DISEASE, POMT2-RELATED. Identifiers: Orphanet 588, Orphanet 899, MedGen C3150411, MONDO:0013154, OMIM 613150.
Autosomal recessive limb-girdle muscular dystrophy type 2N. Also called: MUSCULAR DYSTROPHY-DYSTROGLYCANOPATHY, LIMB-GIRDLE, POMT2-RELATED; Muscular dystrophy-dystroglycanopathy (limb-girdle), type C, 2. Identifiers: Orphanet 206559, MedGen C3150418, MONDO:0013162, OMIM 613158.
Muscular dystrophy-dystroglycanopathy (congenital with impaired intellectual development), type B, 2. Also called: MUSCULAR DYSTROPHY, CONGENITAL, POMT2-RELATED; Muscular dystrophy-dystroglycanopathy (congenital with intellectual disability), type B2. Identifiers: MedGen C3150416, MONDO:0013160, OMIM 613156.

Submission:

Labcorp Genetics (formerly Invitae), Labcorp
Classification: Pathogenic for Muscular dystrophy-dystroglycanopathy (congenital with impaired intellectual development), type B, 2; Muscular dystrophy-dystroglycanopathy (congenital with brain and eye anomalies), type A2; Autosomal recessive limb-girdle muscular dystrophy type 2N. Last evaluated: 2024-10-29. Review status: criteria provided, single submitter. Criteria: Invitae Variant Classification Sherloc (09022015). Collection method: clinical testing. Allele origin: germline.
Comment: This sequence change creates a premature translational stop signal (p.Ala292Leufs*14) in the POMT2 gene. It is expected to result in an absent or disrupted protein product. Loss-of-function variants in POMT2 are known to be pathogenic (PMID: 15894594). This variant is not present in population databases (gnomAD no frequency). This variant has not been reported in the literature in individuals affected with POMT2-related conditions. Algorithms developed to predict the effect of sequence changes on RNA splicing suggest that this variant may disrupt the consensus splice site. For these reasons, this variant has been classified as Pathogenic.

Literature cited by the submitters: PubMed 15894594.